The following is an entry in ClinVar:

ClinVar aggregate classification (germline): Uncertain significance (1 of 4 stars; one submission).

Conditions:
Jeune thoracic dystrophy. Also called: Jeune syndrome; Infantile thoracic dystrophy; Thoracic pelvic phalangeal dystrophy; Jeune's syndrome; Chondroectodermal dysplasia-like syndrome; Short-rib thoracic dysplasia. Identifiers: Orphanet 474, MedGen C0265275, MONDO:0018770.

Allele frequency attached by ClinVar (database versions not stated): TOPMed below 0.00001; gnomAD exomes 0.00001.
gnomAD v4.1: 23 of 1,613,244 alleles (0.0014%); highest among the groups gnomAD compares: Non-Finnish European, 0.0018%; no homozygotes.

Submission:

Labcorp Genetics (formerly Invitae), Labcorp
Classification: Uncertain significance for Jeune thoracic dystrophy. Last evaluated: 2020-09-24. Review status: criteria provided, single submitter. Criteria: Invitae Variant Classification Sherloc (09022015). Collection method: clinical testing. Allele origin: germline.
Comment: Algorithms developed to predict the effect of sequence changes on RNA splicing suggest that this variant may create or strengthen a splice site, but this prediction has not been confirmed by published transcriptional studies. In summary, the available evidence is currently insufficient to determine the role of this variant in disease. Therefore, it has been classified as a Variant of Uncertain Significance. Algorithms developed to predict the effect of missense changes on protein structure and function are either unavailable or do not agree on the potential impact of this missense change (SIFT: "Tolerated"; PolyPhen-2: "Probably Damaging"; Align-GVGD: "Class C0"). This variant has not been reported in the literature in individuals with IFT80-related conditions. This variant is not present in population databases (ExAC no frequency). This sequence change replaces aspartic acid with glycine at codon 713 of the IFT80 protein (p.Asp713Gly). The aspartic acid residue is highly conserved and there is a moderate physicochemical difference between aspartic acid and glycine.

NM_020800.3(IFT80):c.2138A>G (p.Asp713Gly)

Genes: TRIM59-IFT80 (TRIM59-IFT80 readthrough (NMD candidate); minus strand), IFT80 (intraflagellar transport 80; minus strand). Cytogenetic location: 3q25.33.
Variant type: single nucleotide variant.
Coding change: c.2138A>G on transcript NM_020800.3 (MANE Select); coding-DNA position 2138, A replaced by G.
Protein change: p.Asp713Gly; replaces aspartic acid 713 with glycine.
Molecular consequence: missense variant. On other transcripts: non-coding transcript variant (3).
Genome position (GRCh38, 1-based): chr3:160,268,498, T>C on the plus strand (A>G on the coding strand, the complement: IFT80 is on the minus strand). VCF-style: chr3-160268498-T-C. GRCh37 (hg19) VCF-style: chr3-159986286-T-C.
Other names: c.1727A>G, p.Asp576Gly (NM_001190241.2, NM_001190242.2); short protein forms D576G, D713G.
Identifiers: ClinVar variation 1007171 (VCV001007171.7), dbSNP rs1713528985, ClinGen allele CA355249988.
Genomic context (GRCh38, chr3:160,268,498, plus strand): 5'-TTATTAGTTTCCTGTTTACCAAATGTCTCCAAAAACTTTTGACGGTAAGCAAGAACTGTA[T>C]CAACATGTGTTTTGTATTTTACAGCCAATTCCAGTGCCCTATAATGAGAAATAAAACAGA-3'
Protein context (NP_065851.1, residues 703-723): ELAVKYKTHV[Asp713Gly]TVLAYRQKFL